The following is an entry in ClinVar:

ClinVar aggregate classification (germline): Uncertain significance (1 of 4 stars; one submission).

Conditions:
Wilms tumor 1 (WT1). Also called: Wilms tumor, somatic. Identifiers: Orphanet 654, MedGen CN033288, MONDO:0008679, OMIM 194070.

Allele frequency attached by ClinVar (database versions not stated): gnomAD exomes below 0.00001.
gnomAD v4.1: 2 of 1,211,567 alleles (0.00017%); highest among the groups gnomAD compares: Non-Finnish European, 0.00022%; no homozygotes.

Submission:

Labcorp Genetics (formerly Invitae), Labcorp
Classification: Uncertain significance for Wilms tumor 1. Last evaluated: 2025-08-30. Review status: criteria provided, single submitter. Criteria: Invitae Variant Classification Sherloc (09022015). Collection method: clinical testing. Allele origin: germline.
Comment: This sequence change replaces glutamic acid, which is acidic and polar, with glycine, which is neutral and non-polar, at codon 427 of the GPC3 protein (p.Glu427Gly). This variant is not present in population databases (gnomAD no frequency). This variant has not been reported in the literature in individuals affected with GPC3-related conditions. ClinVar contains an entry for this variant (Variation ID: 834642). Invitae Evidence Modeling of protein sequence and biophysical properties (such as structural, functional, and spatial information, amino acid conservation, physicochemical variation, residue mobility, and thermodynamic stability) indicates that this missense variant is not expected to disrupt GPC3 protein function with a negative predictive value of 80%. In summary, the available evidence is currently insufficient to determine the role of this variant in disease. Therefore, it has been classified as a Variant of Uncertain Significance.

NM_004484.4(GPC3):c.1280A>G (p.Glu427Gly)

Gene: GPC3 (glypican 3; minus strand). Cytogenetic location: Xq26.2.
Variant type: single nucleotide variant.
Coding change: c.1280A>G on transcript NM_004484.4 (MANE Select); coding-DNA position 1280, A replaced by G.
Protein change: p.Glu427Gly; replaces glutamic acid 427 with glycine.
Molecular consequence: missense variant.
Genome position (GRCh38, 1-based): chrX:133,692,381, T>C on the plus strand (A>G on the coding strand, the complement: GPC3 is on the minus strand). VCF-style: chrX-133692381-T-C. GRCh37 (hg19) VCF-style: chrX-132826409-T-C.
Other names: c.1349A>G, p.Glu450Gly (NM_001164617.2); c.1232A>G, p.Glu411Gly (NM_001164618.2); c.1118A>G, p.Glu373Gly (NM_001164619.2); short protein forms E373G, E427G, E450G, E411G.
Identifiers: ClinVar variation 834642 (VCV000834642.13), dbSNP rs2071072569, ClinGen allele CA414705308.